The following is an entry in ClinVar:

NM_023110.3(FGFR1):c.936+114G>A

Gene: FGFR1 (fibroblast growth factor receptor 1; minus strand). Cytogenetic location: 8p11.23.
Variant type: single nucleotide variant.
Coding change: c.936+114G>A on transcript NM_023110.3 (MANE Select); 114 bases into the intron after coding-DNA position 936, G replaced by A.
Molecular consequence: intron variant.
Genome position (GRCh38, 1-based): chr8:38,424,395, C>T on the plus strand (G>A on the coding strand, the complement: FGFR1 is on the minus strand). VCF-style: chr8-38424395-C-T. GRCh37 (hg19) VCF-style: chr8-38281913-C-T.
Other names: c.663+114G>A (NM_001354368.2, NM_001354370.2, NM_023106.3); c.669+114G>A (NM_023105.3, NM_001174066.2); c.930+114G>A (NM_001354367.2, NM_015850.4, NM_001354369.2 and 2 more transcripts); c.936+114G>A (NM_001174063.2); c.912+114G>A (NM_001174064.2); c.1029+114G>A (NM_001174067.2).
Identifiers: ClinVar variation 2673145 (VCV002673145.23), dbSNP rs148435610, ClinGen allele CA4718599.

ClinVar aggregate classification (germline): Likely benign (1 of 4 stars; one submission).

Allele frequency attached by ClinVar (database versions not stated): TOPMed 0.00009; ESP Exome Variant Server 0.00015.
gnomAD v4.1: 187 of 1,096,452 alleles (0.017%); highest among the groups gnomAD compares: Non-Finnish European, 0.023%; no homozygotes.

Submission:

CeGaT Center for Human Genetics Tuebingen
Classification: Likely benign. Last evaluated: 2026-02-01. Review status: criteria provided, single submitter. Criteria: CeGaT Center For Human Genetics Tuebingen Variant Classification Criteria Version 2. Collection method: clinical testing. Allele origin: germline. Affected: yes. Observed: 4 variant alleles.
Comment: FGFR1: BP4, BP7